The following is an entry in ClinVar:

ClinVar aggregate classification (germline): Pathogenic/Likely pathogenic. Review status: criteria provided, multiple submitters, no conflicts (2 of 4 stars). 5 submissions from 5 submitters: Pathogenic (4); Likely pathogenic (1). Last evaluated 2024-01-12.

Conditions:
Mucopolysaccharidosis, MPS-I-H/S. Also called: Mucopolysaccharidosis type IH/S. Identifiers: Orphanet 93476, MedGen C0086431, MONDO:0011759, OMIM 607015.
Hurler syndrome. Also called: MUCOPOLYSACCHARIDOSIS TYPE IH; Severe MPS I (Hurler Syndrome); Gargoylism, Hurler Syndrome. Identifiers: Orphanet 93473, MedGen C0086795, MONDO:0011758, OMIM 607014.
Mucopolysaccharidosis, MPS-I-S. Also called: MPS V; MUCOPOLYSACCHARIDOSIS TYPE V; MUCOPOLYSACCHARIDOSIS TYPE IS; Scheie Syndrome. Identifiers: Orphanet 93474, MedGen C0026708, MONDO:0011760, OMIM 607016.
Mucopolysaccharidosis type 1. Also called: IDUA deficiency; MPS I; Mucopolysaccharidosis Type I. Identifiers: Orphanet 579, MedGen C0023786, MONDO:0001586.

gnomAD v4.1: 2 of 1,613,132 alleles (0.00012%); highest among the groups gnomAD compares: African/African-American, 0.0013%; no homozygotes.

Submissions (5):

Fulgent Genetics
Classification: Pathogenic for Hurler syndrome; Mucopolysaccharidosis, MPS-I-H/S; Mucopolysaccharidosis, MPS-I-S. Last evaluated: 2024-01-12. Review status: criteria provided, single submitter. Criteria: ACMG Guidelines, 2015. Collection method: clinical testing. Allele origin: germline.

Women's Health and Genetics/Laboratory Corporation of America, LabCorp
Classification: Pathogenic for Mucopolysaccharidosis type 1. Last evaluated: 2024-01-11. Review status: criteria provided, single submitter. Criteria: LabCorp Variant Classification Summary - May 2015. Collection method: clinical testing. Allele origin: germline.
Comment: Variant summary: IDUA c.532G>A (p.Glu178Lys) results in a conservative amino acid change located in the active site (amino acids 175-184; IPR049165) of the encoded protein sequence. Four of five in-silico tools predict a damaging effect of the variant on protein function. The variant was absent in 250940 control chromosomes (gnomAD). c.532G>A has been reported in the literature in multiple individuals affected with Mucopolysaccharidosis Type 1 (e.g. Venturi_2002, Bertola_2011, Wang_2012, Clarke_2019, Thomas_2021), and most of the cases presented with an intermediate phenotype (Hurler-Scheie syndrome). These data indicate that the variant is very likely to be associated with disease. Several of these publications reported a severely reduced enzymatic activity in patient derived cells (e.g. Wang_2012, Thomas_2021). The following publications have been ascertained in the context of this evaluation (PMID: 21480867, 12203999, 21394825, 31194252, 33301762). ClinVar contains an entry for this variant (Variation ID: 2203495). Based on the evidence outlined above, the variant was classified as pathogenic.

GeneDx
Classification: Likely pathogenic. Last evaluated: 2023-09-06. Review status: criteria provided, single submitter. Criteria: GeneDx Variant Classification Process June 2021. Collection method: clinical testing. Allele origin: germline. Affected: yes.
Comment: Not observed at significant frequency in large population cohorts (gnomAD); In silico analysis supports that this missense variant has a deleterious effect on protein structure/function; This variant is associated with the following publications: (PMID: 21462124, 19280364, 33301762, 12203999, 24480078, 21394825, Kadali2023[preprint], 36077388, 31194252, 30903511, 33203019, 15862278, 32188113, 32143453, 27196898)

Labcorp Genetics (formerly Invitae), Labcorp
Classification: Pathogenic for Mucopolysaccharidosis type 1. Last evaluated: 2022-10-19. Review status: criteria provided, single submitter. Criteria: Invitae Variant Classification Sherloc (09022015). Collection method: clinical testing. Allele origin: germline.
Comment: This sequence change replaces glutamic acid, which is acidic and polar, with lysine, which is basic and polar, at codon 178 of the IDUA protein (p.Glu178Lys). This variant is not present in population databases (gnomAD no frequency). This missense change has been observed in individuals with mucopolysaccharidosis type I (PMID: 12203999, 21394825, 21462124, 27196898, 31194252). Advanced modeling of protein sequence and biophysical properties (such as structural, functional, and spatial information, amino acid conservation, physicochemical variation, residue mobility, and thermodynamic stability) performed at Invitae indicates that this missense variant is expected to disrupt IDUA protein function. For these reasons, this variant has been classified as Pathogenic.

Revvity Omics, Revvity
Classification: Pathogenic. Last evaluated: 2022-10-03. Review status: criteria provided, single submitter. Criteria: ACMG Guidelines, 2015. Collection method: clinical testing. Allele origin: germline.

Literature cited by the submitters: PubMed 21394825 (cited by Women's Health and Genetics/Laboratory Corporation of America, LabCorp and Labcorp Genetics (formerly Invitae), Labcorp); PubMed 21480867 (cited by Women's Health and Genetics/Laboratory Corporation of America, LabCorp); PubMed 31194252 (cited by Women's Health and Genetics/Laboratory Corporation of America, LabCorp and Labcorp Genetics (formerly Invitae), Labcorp); PubMed 12203999 (cited by Women's Health and Genetics/Laboratory Corporation of America, LabCorp and Labcorp Genetics (formerly Invitae), Labcorp); PubMed 33301762 (cited by Women's Health and Genetics/Laboratory Corporation of America, LabCorp); PubMed 21462124 (cited by Labcorp Genetics (formerly Invitae), Labcorp); PubMed 27196898 (cited by Labcorp Genetics (formerly Invitae), Labcorp).

NM_000203.5(IDUA):c.532G>A (p.Glu178Lys)

Gene: IDUA (alpha-L-iduronidase; plus strand). Cytogenetic location: 4p16.3.
Variant type: single nucleotide variant.
Coding change: c.532G>A on transcript NM_000203.5 (MANE Select); coding-DNA position 532, G replaced by A.
Protein change: p.Glu178Lys; replaces glutamic acid 178 with lysine.
Molecular consequence: missense variant. On other transcripts: non-coding transcript variant (1).
Genome position (GRCh38, 1-based): chr4:1,001,506, G>A. VCF-style: chr4-1001506-G-A. GRCh37 (hg19) VCF-style: chr4-995294-G-A.
Other names: c.532G>A (NM_000203.3); c.136G>A, p.Glu46Lys (NM_001363576.1); short protein forms E46K, E178K.
Identifiers: ClinVar variation 2203495 (VCV002203495.10), dbSNP rs992336192, ClinGen allele CA355961709.